The following is an entry in ClinVar:

NM_000359.3(TGM1):c.1090dup (p.Ser364fs)

Gene: TGM1 (transglutaminase 1; minus strand). Cytogenetic location: 14q12.
Variant type: Duplication.
Coding change: c.1090dup on transcript NM_000359.3 (MANE Select); coding-DNA position 1090, one base duplicated (A; older notation c.1090dupA).
Protein change: p.Ser364fs; shifts the reading frame from serine 364.
Molecular consequence: frameshift variant.
Genome position (GRCh38, 1-based): chr14:24,259,144, T duplicated on the plus strand (A on the coding strand, the reverse complement: TGM1 is on the minus strand). VCF-style (leftmost placement, unchanged base first): chr14-24259143-C-CT. GRCh37 (hg19) VCF-style: chr14-24728349-C-CT.
Other names: short protein forms S364fs.
Identifiers: ClinVar variation 5014110 (VCV005014110.1).

ClinVar aggregate classification (germline): Pathogenic (1 of 4 stars; one submission).

Conditions:
Autosomal recessive congenital ichthyosis 1 (LI1). Also called: DESQUAMATION OF NEWBORN; ICHTHYOSIS CONGENITA; ICHTHYOSIS CONGENITA II; LAMELLAR EXFOLIATION OF NEWBORN; ICHTHYOSIS, CONGENITAL, AUTOSOMAL RECESSIVE 1, WITH BATHING SUIT DISTRIBUTION; ICHTHYOSIS, CONGENITAL, AUTOSOMAL RECESSIVE 1, WITH OR WITHOUT BATHING SUIT DISTRIBUTION. Identifiers: MedGen C4551630, MONDO:0009441, OMIM 242300.

Submission:

Myriad Genetics, Inc.
Classification: Pathogenic for Autosomal recessive congenital ichthyosis 1. Last evaluated: 2025-02-18. Review status: criteria provided, single submitter. Criteria: Myriad Autosomal Dominant, Autosomal Recessive and X-Linked Classification Criteria (2023). Collection method: clinical testing. Allele origin: unknown.
Comment: NM_000359.2(TGM1):c.1090dupA(S364Kfs*67) is expected to be pathogenic in the context of TGM1-related autosomal recessive congenital ichthyosis. This variant is predicted to lead to an abnormal or absent protein product due to the creation of a premature termination codon in TGM1, a gene where loss-of-function variants are known to be pathogenic. Please note: this variant was assessed in the context of healthy population screening.